The following is an entry in ClinVar:

NM_170606.3(KMT2C):c.4832C>T (p.Pro1611Leu)

Gene: KMT2C (lysine methyltransferase 2C; minus strand). Cytogenetic location: 7q36.1.
Variant type: single nucleotide variant.
Coding change: c.4832C>T on transcript NM_170606.3 (MANE Select); coding-DNA position 4832, C replaced by T.
Protein change: p.Pro1611Leu; replaces proline 1611 with leucine.
Molecular consequence: missense variant.
Genome position (GRCh38, 1-based): chr7:152,187,438, G>A on the plus strand (C>T on the coding strand, the complement: KMT2C is on the minus strand). VCF-style: chr7-152187438-G-A. GRCh37 (hg19) VCF-style: chr7-151884523-G-A.
Other names: c.4832C>T (NM_170606.2); short protein forms P1611L.
Identifiers: ClinVar variation 1355705 (VCV001355705.7), dbSNP rs746430166, ClinGen allele CA370102795.
Genomic context (GRCh38, chr7:152,187,438, plus strand): 5'-TTCGACATTGTGTCATTTTCTCCTTCCACAGTGGGAGCTGATGATGTCCAAGAGTTGTTA[G>A]GATCACTTGCCATTGGATTAAAGGCTGAATTTTTATCCCTGGGAAAAAATAAATATCTTT-3'
Protein context (NP_733751.2, residues 1601-1621): NSAFNPMASD[Pro1611Leu]NNSWTSSAPT

ClinVar aggregate classification (germline): Uncertain significance. Review status: criteria provided, multiple submitters, no conflicts (2 of 4 stars). 2 submissions from 2 submitters: Uncertain significance (2). Last evaluated 2025-04-07.

Conditions:
Inborn genetic diseases. Identifiers: MedGen C0950123, MeSH D030342.

gnomAD v4.1: 1 of 1,613,872 alleles (0.000062%); highest among the groups gnomAD compares: Admixed American, 0.0017%; no homozygotes.

Submissions (2):

Ambry Genetics
Classification: Uncertain significance for Inborn genetic diseases. Last evaluated: 2025-04-07. Review status: criteria provided, single submitter. Criteria: Ambry Variant Classification Scheme 2023. Collection method: clinical testing. Allele origin: germline.

Labcorp Genetics (formerly Invitae), Labcorp
Classification: Uncertain significance. Last evaluated: 2021-05-24. Review status: criteria provided, single submitter. Criteria: Invitae Variant Classification Sherloc (09022015). Collection method: clinical testing. Allele origin: germline.
Comment: In summary, the available evidence is currently insufficient to determine the role of this variant in disease. Therefore, it has been classified as a Variant of Uncertain Significance. Algorithms developed to predict the effect of missense changes on protein structure and function are either unavailable or do not agree on the potential impact of this missense change (SIFT: "Tolerated"; PolyPhen-2: "Possibly Damaging"; Align-GVGD: "Class C0"). This variant has not been reported in the literature in individuals with KMT2C-related conditions. This variant is not present in population databases (ExAC no frequency). This sequence change replaces proline with leucine at codon 1611 of the KMT2C protein (p.Pro1611Leu). The proline residue is moderately conserved and there is a moderate physicochemical difference between proline and leucine.